The following is an entry in ClinVar:

NM_000276.4(OCRL):c.860dup (p.Tyr288fs)

Gene: OCRL (OCRL inositol polyphosphate-5-phosphatase; plus strand). Cytogenetic location: Xq26.1.
Variant type: Duplication.
Coding change: c.860dup on transcript NM_000276.4 (MANE Select); coding-DNA position 860, one base duplicated (T; older notation c.860dupT).
Protein change: p.Tyr288fs; shifts the reading frame from tyrosine 288.
Molecular consequence: frameshift variant.
Genome position (GRCh38, 1-based): chrX:129,561,214, T duplicated; the last of 2 consecutive T bases (chrX:129,561,213-129,561,214); duplicating either gives the same sequence. VCF-style (leftmost placement, unchanged base first): chrX-129561212-C-CT. GRCh37 (hg19) VCF-style: chrX-128695189-C-CT.
Other names: c.860dupT (NM_000276.3); c.863dup, p.Tyr289fs (NM_001318784.2); c.860dup, p.Tyr288fs (NM_001587.4); short protein forms Y289fs, Y288fs.
Identifiers: ClinVar variation 457993 (VCV000457993.6), dbSNP rs1556345889, ClinGen allele CA658659039.

ClinVar aggregate classification (germline): Pathogenic (1 of 4 stars; one submission).

Conditions:
Lowe syndrome (OCRL). Also called: LOWE OCULOCEREBRORENAL SYNDROME; Oculocerebrorenal Syndrome; PHOSPHATIDYLINOSITOL 4,5-BISPHOSPHATE 5-PHOSPHATASE DEFICIENCY. Identifiers: Orphanet 534, MedGen C0028860, MONDO:0010645, OMIM 309000.

Submission:

Labcorp Genetics (formerly Invitae), Labcorp
Classification: Pathogenic for Lowe syndrome. Last evaluated: 2017-02-23. Review status: criteria provided, single submitter. Criteria: Invitae Variant Classification Sherloc (09022015). Collection method: clinical testing. Allele origin: germline.
Comment: This sequence change inserts 1 nucleotide in exon 10 of the OCRL mRNA (c.860dupT), causing a frameshift at codon 288. This creates a premature translational stop signal (p.Tyr288Leufs*3) and is expected to result in an absent or disrupted protein product. For these reasons, this variant has been classified as Pathogenic. While this particular variant has not been reported in the literature, loss-of-function variants in OCRL are known to be pathogenic (PMID: 21031565, 22381590).

Literature cited by the submitters: PubMed 21031565; PubMed 22381590.